The following is an entry in ClinVar:

ClinVar aggregate classification (germline): Likely pathogenic (1 of 4 stars; one submission).

Conditions:
Early-infantile DEE. Also called: Early infantile epileptic encephalopathy; Early infantile epileptic encephalopathy with suppression bursts; Ohtahara syndrome. Identifiers: Orphanet 1934, MedGen C0393706, MONDO:0800491.

Submission:

Labcorp Genetics (formerly Invitae), Labcorp
Classification: Likely pathogenic for Early-infantile DEE. Last evaluated: 2022-04-28. Review status: criteria provided, single submitter. Criteria: Invitae Variant Classification Sherloc (09022015). Collection method: clinical testing. Allele origin: germline.
Comment: In summary, the currently available evidence indicates that the variant is pathogenic, but additional data are needed to prove that conclusively. Therefore, this variant has been classified as Likely Pathogenic. This variant disrupts a region of the SCN1A protein in which other variant(s) (p.Phe403Leu) have been observed in individuals with SCN1A-related conditions (PMID: 17347258). This suggests that this is a clinically significant region of the protein, and that variants that disrupt it are likely to be disease-causing. This variant has been observed in individual(s) with clinical features of SCN1A-related conditions (Invitae). In at least one individual the variant was observed to be de novo. This variant is not present in population databases (gnomAD no frequency). This variant, c.1203_1205del, results in the deletion of 1 amino acid(s) of the SCN1A protein (p.Phe403del), but otherwise preserves the integrity of the reading frame.

Literature cited by the submitters: PubMed 17347258.

NM_001165963.4(SCN1A):c.1203_1205del (p.Phe403del)

Gene: SCN1A (sodium voltage-gated channel alpha subunit 1; minus strand). Cytogenetic location: 2q24.3.
Variant type: Deletion.
Coding change: c.1203_1205del on transcript NM_001165963.4 (MANE Select); coding-DNA positions 1203 to 1205, 3 bases deleted (ATT; older notation c.1203_1205delATT).
Protein change: p.Phe403del; deletes phenylalanine 403.
Molecular consequence: inframe deletion. On other transcripts: 5 prime UTR variant (1), non-coding transcript variant (1).
Genome position (GRCh38, 1-based): chr2:166,046,942-166,046,944, AAT deleted on the plus strand (ATT on the coding strand, the reverse complement: SCN1A is on the minus strand); deleting any 3 consecutive bases within chr2:166,046,942-166,046,945 gives the same sequence; the c. name uses the placement nearest the transcript's 3' end. VCF-style (leftmost placement, unchanged base first): chr2-166046941-AAAT-A. GRCh37 (hg19) VCF-style: chr2-166903451-AAAT-A.
Other names: c.1203_1205del, p.Phe403del (NM_001165964.3, NM_001202435.3, NM_001353948.2 and 10 more transcripts); c.-1223_-1221del (NM_001353961.2); short protein forms F403del.
Identifiers: ClinVar variation 1488663 (VCV001488663.9), dbSNP rs2105862483, ClinGen allele CA2573133546.